The following is an entry in ClinVar:

ClinVar aggregate classification (germline): Uncertain significance (1 of 4 stars; one submission).

Allele frequency attached by ClinVar (database versions not stated): gnomAD exomes below 0.00001.
gnomAD v4.1: 1 of 1,613,994 alleles (0.000062%); highest among the groups gnomAD compares: African/African-American, 0.0013%; no homozygotes.

Submission:

GeneDx
Classification: Uncertain significance. Last evaluated: 2023-10-05. Review status: criteria provided, single submitter. Criteria: GeneDx Variant Classification Process June 2021. Collection method: clinical testing. Allele origin: germline. Affected: yes.
Comment: Not observed at significant frequency in large population cohorts (gnomAD); In silico analysis supports that this missense variant does not alter protein structure/function; Has not been previously published as pathogenic or benign to our knowledge

NM_001161352.2(KCNMA1):c.1915A>C (p.Asn639His)

Gene: KCNMA1 (potassium calcium-activated channel subfamily M alpha 1; minus strand). Cytogenetic location: 10q22.3.
Variant type: single nucleotide variant.
Coding change: c.1915A>C on transcript NM_001161352.2 (MANE Select); coding-DNA position 1915, A replaced by C.
Protein change: p.Asn639His; replaces asparagine 639 with histidine.
Molecular consequence: missense variant.
Genome position (GRCh38, 1-based): chr10:77,027,836, T>G on the plus strand (A>C on the coding strand, the complement: KCNMA1 is on the minus strand). VCF-style: chr10-77027836-T-G. GRCh37 (hg19) VCF-style: chr10-78787594-T-G.
Other names: c.1915A>C, p.Asn639His (NM_001014797.3, NM_001161353.2, NM_001271519.2 and 8 more transcripts); c.1753A>C, p.Asn585His (NM_001271518.2); c.1375A>C, p.Asn459His (NM_001322838.2); short protein forms N459H, N585H, N639H.
Identifiers: ClinVar variation 3252647 (VCV003252647.1), dbSNP rs1456356588.